The following is an entry in ClinVar:

ClinVar aggregate classification (germline): Conflicting classifications of pathogenicity. Review status: criteria provided, conflicting classifications (1 of 4 stars). 2 submissions from 2 submitters: Uncertain significance (1); Likely benign (1). Last evaluated 2023-03-23.

Conditions:
Hereditary cancer-predisposing syndrome. Also called: Neoplastic Syndromes, Hereditary; Hereditary Cancer Syndrome; Tumor predisposition; Hereditary neoplastic syndrome. Identifiers: Orphanet 140162, MedGen C0027672, MeSH D009386, MONDO:0015356.
Hereditary breast ovarian cancer syndrome. Also called: Hereditary breast and ovarian cancer syndrome (HBOC); Hereditary breast and ovarian cancer; Breast and ovarian cancer; BRCA1- and BRCA2-Associated Hereditary Breast and Ovarian Cancer; Hereditary breast and ovarian cancer syndrome; Hereditary breast and/or ovarian cancer syndrome. Identifiers: Orphanet 145, MedGen C0677776, MeSH D061325, MONDO:0003582. Disease mechanism: loss of function.

Submissions (2):

University of Washington Department of Laboratory Medicine, University of Washington
Classification: Likely benign for Hereditary cancer-predisposing syndrome. Last evaluated: 2023-03-23. Review status: criteria provided, single submitter. Criteria: Dines et al. (Genet Med. 2020). Collection method: curation. Allele origin: germline.
Comment: Missense variant in a coldspot region where missense variants are very unlikely to be pathogenic (PMID:31911673).

BRCA1 coldspot (exon 11 using historical exon numbering). Reclassification based on statistical prior probability

Labcorp Genetics (formerly Invitae), Labcorp
Classification: Uncertain significance for Hereditary breast ovarian cancer syndrome. Last evaluated: 2019-08-15. Review status: criteria provided, single submitter. Criteria: Invitae Variant Classification Sherloc (09022015). Collection method: clinical testing. Allele origin: germline.
Comment: In summary, the available evidence is currently insufficient to determine the role of this variant in disease. Therefore, it has been classified as a Variant of Uncertain Significance. Algorithms developed to predict the effect of sequence changes on RNA splicing suggest that this variant may create or strengthen a splice site, but this prediction has not been confirmed by published transcriptional studies. Algorithms developed to predict the effect of missense changes on protein structure and function are either unavailable or do not agree on the potential impact of this missense change (SIFT: "Tolerated"; PolyPhen-2: "Possibly Damaging"; Align-GVGD: "Class C0"). This variant has not been reported in the literature in individuals with BRCA1-related conditions. This variant is not present in population databases (ExAC no frequency). This sequence change replaces serine with glycine at codon 324 of the BRCA1 protein (p.Ser324Gly). The serine residue is moderately conserved and there is a small physicochemical difference between serine and glycine.

NM_007294.4(BRCA1):c.970A>G (p.Ser324Gly)

Gene: BRCA1 (BRCA1 DNA repair associated; minus strand). Cytogenetic location: 17q21.31.
Variant type: single nucleotide variant.
Coding change: c.970A>G on transcript NM_007294.4 (MANE Select); coding-DNA position 970, A replaced by G.
Protein change: p.Ser324Gly; replaces serine 324 with glycine.
Molecular consequence: missense variant. On other transcripts: intron variant (137).
Genome position (GRCh38, 1-based): chr17:43,094,561, T>C on the plus strand (A>G on the coding strand, the complement: BRCA1 is on the minus strand). VCF-style: chr17-43094561-T-C. GRCh37 (hg19) VCF-style: chr17-41246578-T-C.
Other names: c.703A>G, p.Ser235Gly (NM_001407930.1, NM_001407931.1, NM_001407932.1 and 2 more transcripts); c.706A>G, p.Ser236Gly (NM_001407933.1, NM_001407935.1, NM_001407920.1 and 9 more transcripts); c.847A>G, p.Ser283Gly (NM_001407937.1, NM_001407938.1, NM_001407939.1 and 19 more transcripts); c.844A>G, p.Ser282Gly (NM_001407940.1, NM_001407941.1, NM_001407649.1 and 11 more transcripts); c.829A>G, p.Ser277Gly (NM_001407942.1, NM_001407944.1, NM_001407945.1 and 29 more transcripts); c.826A>G, p.Ser276Gly (NM_001407943.1, NM_001407964.1, NM_001407740.1 and 20 more transcripts); c.637A>G, p.Ser213Gly (NM_001407946.1, NM_001407947.1, NM_001407948.1 and 6 more transcripts); c.634A>G, p.Ser212Gly (NM_001407954.1, NM_001407955.1, NM_001407956.1 and 1 more transcripts); and 40 more; short protein forms S324G, S277G, S236G, S257G, S283G, S297G, S212G, S213G.
Identifiers: ClinVar variation 942977 (VCV000942977.13), dbSNP rs2054014425, ClinGen allele CA10600124.